The following is an entry in ClinVar:

ClinVar aggregate classification (germline): Likely pathogenic. Review status: criteria provided, multiple submitters, no conflicts (2 of 4 stars). 4 submissions from 4 submitters: Likely pathogenic (4). Last evaluated 2025-08-21.

Conditions:
Metaphyseal chondrodysplasia, McKusick type (CHH). Also called: Cartilage-hair hypoplasia; Cartilage-Hair Hypoplasia (CHH). Identifiers: Orphanet 175, MedGen C0220748, MONDO:0009595, OMIM 250250.
Anauxetic dysplasia 1 (ANXD1). Also called: Anauxetic Dysplasia (AD). Identifiers: Orphanet 93347, MedGen C4551965, MONDO:0054560, OMIM 607095.
Metaphyseal dysplasia without hypotrichosis. Also called: Metaphyseal Dysplasia without Hypotrichosis (MDWH); CARTILAGE-HAIR HYPOPLASIA VARIANT, SKELETAL MANIFESTATIONS ONLY; CARTILAGE-HAIR HYPOPLASIA-LIKE SKELETAL DYSPLASIA WITHOUT HYPOTRICHOSIS OR IMMUNODEFICIENCY. Identifiers: MedGen C1834821, MONDO:0009601, OMIM 250460.
Anauxetic dysplasia. Identifiers: Orphanet 93347, MedGen C1846796, MONDO:0011773.

Submissions (4):

Labcorp Genetics (formerly Invitae), Labcorp
Classification: Likely pathogenic for Anauxetic dysplasia. Last evaluated: 2025-08-21. Review status: criteria provided, single submitter. Criteria: Invitae Variant Classification Sherloc (09022015). Collection method: clinical testing. Allele origin: germline.
Comment: This variant occurs in the RMRP gene, which encodes an RNA molecule that does not result in a protein product. This variant is not present in population databases (gnomAD no frequency). While this particular variant has not been reported in the literature, it is located in the promoter region between the TATA box and the transcription initiation site, and other insertions and duplications immediately upstream of the coding sequence have been reported in individuals affected with cartilage-hair hypoplasia-anauxetic dysplasia (CHH-AD) spectrum disorders (PMID: 16244706, 11207361, 12107819). While functional studies for this variant have not been reported, experimental analyses using patient derived cells, as well as in vitro transfection studies, have shown that promoter insertions result in silencing of RMRP transcription and reduced expression of the gene product (PMID: 11207361, 16254002). In summary, the currently available evidence indicates that the variant is pathogenic, but additional data are needed to prove that conclusively. Therefore, this variant has been classified as Likely Pathogenic.

Natera, Inc.
Classification: Likely pathogenic for Cartilage-hair hypoplasia. Last evaluated: 2025-07-07. Review status: criteria provided, single submitter. Criteria: Natera Variant Classification Schema (03/2026). Collection method: clinical testing. Allele origin: germline.
Comment: The n.-20_-7dupCTCTGTGAAGCTGA variant in RMRP is a duplication affecting the RMRP promoter region between the TATA box and the transcription initiation site. Other duplications and insertions just upstream of the transcription initiation site have been reported in individuals affected with cartilage-hair hypoplasia (PMID: 11207361, 17937437). This variant is rare in the general population with a frequency below the threshold expected for the associated phenotype(s). Given the available evidence, this variant is classified as Likely Pathogenic.

Fulgent Genetics
Classification: Likely pathogenic for Metaphyseal chondrodysplasia, McKusick type; Metaphyseal dysplasia without hypotrichosis; Anauxetic dysplasia 1. Last evaluated: 2022-05-03. Review status: criteria provided, single submitter. Criteria: ACMG Guidelines, 2015. Collection method: clinical testing. Allele origin: unknown.

Women's Health and Genetics/Laboratory Corporation of America, LabCorp
Classification: Likely pathogenic for Metaphyseal chondrodysplasia, McKusick type. Last evaluated: 2020-07-10. Review status: criteria provided, single submitter. Criteria: LabCorp Variant Classification Summary - May 2015. Collection method: clinical testing. Allele origin: germline.
Comment: Variant summary: The variant, RMRP n.-20_-7dup14 involves the duplication of 14 nucleotides in the promoter region of RMRP, which is located between the TATA box (-33 to -25) and the transcription initiation site. Multiple duplication variants in this promoter region have been reported pathogenic/likely pathogenic (LCA database, in ClinVar and HGMD). The variant was absent in 127922 control chromosomes (gnomAD). The available data on variant occurrences in the general population are insufficient to allow any conclusion about variant significance. To our knowledge, no occurrence of n.-20_-7dup14 in individuals affected with Cartilage-Hair Hypoplasia and no experimental evidence demonstrating its impact on protein function have been reported. No clinical diagnostic laboratories have submitted clinical-significance assessments for this variant to ClinVar after 2014. Based on the evidence outlined above, the variant was classified as likely pathogenic.

Literature cited by the submitters: PubMed 16244706 (cited by Labcorp Genetics (formerly Invitae), Labcorp); PubMed 11207361 (cited by Labcorp Genetics (formerly Invitae), Labcorp and Natera, Inc.); PubMed 12107819 (cited by Labcorp Genetics (formerly Invitae), Labcorp); PubMed 16254002 (cited by Labcorp Genetics (formerly Invitae), Labcorp); PubMed 17937437 (cited by Natera, Inc.).

NR_003051.3(RMRP):n.-20_-7dup14

Gene: RMRP (RNA component of mitochondrial RNA processing endoribonuclease; minus strand). Cytogenetic location: 9p13.3.
Variant type: Duplication.
Genome position: GRCh38 VCF-style: chr9-35658024-C-CTCAGCTTCACAGAG. GRCh37 (hg19) VCF-style: chr9-35658021-C-CTCAGCTTCACAGAG.
Identifiers: ClinVar variation 974953 (VCV000974953.15), dbSNP rs1823639713, ClinGen allele CA1139660937.